The following is an entry in ClinVar:

ClinVar aggregate classification (germline): Uncertain significance (1 of 4 stars; one submission).

Submission:

GeneDx
Classification: Uncertain significance. Last evaluated: 2026-04-24. Review status: criteria provided, single submitter. Criteria: GeneDx Variant Classification Process June 2021. Collection method: clinical testing. Allele origin: germline.
Comment: Not observed at significant frequency in large population cohorts (gnomAD); In silico analysis suggests that this missense variant does not alter protein structure/function; Has not been previously published as pathogenic or benign to our knowledge

NM_133259.4(LRPPRC):c.127G>A (p.Ala43Thr)

Gene: LRPPRC (leucine rich pentatricopeptide repeat containing; minus strand). Cytogenetic location: 2p21.
Variant type: single nucleotide variant.
Coding change: c.127G>A on transcript NM_133259.4 (MANE Select); coding-DNA position 127, G replaced by A.
Protein change: p.Ala43Thr; replaces alanine 43 with threonine.
Molecular consequence: missense variant.
Genome position (GRCh38, 1-based): chr2:43,995,821, C>T on the plus strand (G>A on the coding strand, the complement: LRPPRC is on the minus strand). VCF-style: chr2-43995821-C-T. GRCh37 (hg19) VCF-style: chr2-44222960-C-T.
Other names: short protein forms A43T.
Identifiers: ClinVar variation 5037500 (VCV005037500.1).